The following is an entry in ClinVar:

ClinVar aggregate classification (germline): Uncertain significance (1 of 4 stars; one submission).

Allele frequency attached by ClinVar (database versions not stated): gnomAD exomes 0.00001 and 0.00004; gnomAD 0.00002; TOPMed 0.00002; ExAC 0.00005; ESP Exome Variant Server 0.00008.
gnomAD v4.1: 23 of 1,611,648 alleles (0.0014%); highest among the groups gnomAD compares: Admixed American, 0.0067%; no homozygotes.

Submission:

Labcorp Genetics (formerly Invitae), Labcorp
Classification: Uncertain significance. Last evaluated: 2022-11-01. Review status: criteria provided, single submitter. Criteria: Invitae Variant Classification Sherloc (09022015). Collection method: clinical testing. Allele origin: germline.
Comment: This sequence change replaces lysine, which is basic and polar, with arginine, which is basic and polar, at codon 104 of the AEBP1 protein (p.Lys104Arg). This variant is present in population databases (rs145109144, gnomAD 0.007%). Algorithms developed to predict the effect of missense changes on protein structure and function are either unavailable or do not agree on the potential impact of this missense change (SIFT: "Deleterious"; PolyPhen-2: "Not Available"; Align-GVGD: "Class C0"). ClinVar contains an entry for this variant (Variation ID: 1433516). This variant has not been reported in the literature in individuals affected with AEBP1-related conditions. In summary, the available evidence is currently insufficient to determine the role of this variant in disease. Therefore, it has been classified as a Variant of Uncertain Significance.

NM_001129.5(AEBP1):c.311A>G (p.Lys104Arg)

Gene: AEBP1 (AE binding protein 1; plus strand). Cytogenetic location: 7p13.
Variant type: single nucleotide variant.
Coding change: c.311A>G on transcript NM_001129.5 (MANE Select); coding-DNA position 311, A replaced by G.
Protein change: p.Lys104Arg; replaces lysine 104 with arginine.
Molecular consequence: missense variant.
Genome position (GRCh38, 1-based): chr7:44,106,603, A>G. VCF-style: chr7-44106603-A-G. GRCh37 (hg19) VCF-style: chr7-44146202-A-G.
Other names: short protein forms K104R.
Identifiers: ClinVar variation 1433516 (VCV001433516.5), dbSNP rs145109144, ClinGen allele CA4237462.